The following is an entry in ClinVar:

ClinVar aggregate classification (germline): Uncertain significance (1 of 4 stars; one submission).

Conditions:
Inborn genetic diseases. Identifiers: MedGen C0950123, MeSH D030342.

Submission:

Ambry Genetics
Classification: Uncertain significance for Inborn genetic diseases. Last evaluated: 2025-09-17. Review status: criteria provided, single submitter. Criteria: Ambry Variant Classification Scheme 2023. Collection method: clinical testing. Allele origin: germline.
Comment: The p.L6R variant (also known as c.17T>G), located in coding exon 1 of the MBD4 gene, results from a T to G substitution at nucleotide position 17. The leucine at codon 6 is replaced by arginine, an amino acid with dissimilar properties. This amino acid position is conserved. In addition, this alteration is predicted to be tolerated by in silico analysis. Based on the available evidence, the clinical significance of this variant remains unclear.

NM_001276270.2(MBD4):c.17T>G (p.Leu6Arg)

Genes: MBD4 (methyl-CpG binding domain 4, DNA glycosylase; minus strand), LOC129937550 (ATAC-STARR-seq lymphoblastoid active region 20512; plus strand). Cytogenetic location: 3q21.3.
Variant type: single nucleotide variant.
Coding change: c.17T>G on transcript NM_001276270.2 (MANE Select); coding-DNA position 17, T replaced by G.
Protein change: p.Leu6Arg; replaces leucine 6 with arginine.
Molecular consequence: missense variant.
Genome position (GRCh38, 1-based): chr3:129,439,817, A>C on the plus strand (T>G on the coding strand, the complement: MBD4 is on the minus strand). VCF-style: chr3-129439817-A-C. GRCh37 (hg19) VCF-style: chr3-129158660-A-C.
Other names: c.17T>G, p.Leu6Arg (NM_001276271.2, NM_001276272.2, NM_001276273.2 and 1 more transcripts); short protein forms L6R.
Identifiers: ClinVar variation 4624373 (VCV004624373.1).